The following is an entry in ClinVar:

ClinVar aggregate classification (germline): Uncertain significance (1 of 4 stars; one submission).

gnomAD v4.1: 11 of 1,611,562 alleles (0.00068%); highest among the groups gnomAD compares: Admixed American, 0.01%; no homozygotes.

Submission:

Labcorp Genetics (formerly Invitae), Labcorp
Classification: Uncertain significance. Last evaluated: 2024-12-02. Review status: criteria provided, single submitter. Criteria: Invitae Variant Classification Sherloc (09022015). Collection method: clinical testing. Allele origin: germline.
Comment: This sequence change falls in intron 2 of the ASRGL1 gene. It does not directly change the encoded amino acid sequence of the ASRGL1 protein. This variant is present in population databases (rs763962209, gnomAD 0.02%). This variant has not been reported in the literature in individuals affected with ASRGL1-related conditions. ClinVar contains an entry for this variant (Variation ID: 1386205). Algorithms developed to predict the effect of sequence changes on RNA splicing suggest that this variant may create or strengthen a splice site. In summary, the available evidence is currently insufficient to determine the role of this variant in disease. Therefore, it has been classified as a Variant of Uncertain Significance.

NM_001083926.2(ASRGL1):c.191-18A>G

Gene: ASRGL1 (asparaginase and isoaspartyl peptidase 1; plus strand). Cytogenetic location: 11q12.3.
Variant type: single nucleotide variant.
Coding change: c.191-18A>G on transcript NM_001083926.2 (MANE Select); 18 bases into the intron before coding-DNA position 191, A replaced by G.
Molecular consequence: intron variant.
Genome position (GRCh38, 1-based): chr11:62,356,307, A>G. VCF-style: chr11-62356307-A-G. GRCh37 (hg19) VCF-style: chr11-62123779-A-G.
Other names: c.191-18A>G (NM_025080.4).
Identifiers: ClinVar variation 1386205 (VCV001386205.6), dbSNP rs763962209, ClinGen allele CA6043117.